The following is an entry in ClinVar:

ClinVar aggregate classification (germline): Uncertain significance (1 of 4 stars; one submission).

Allele frequency attached by ClinVar (database versions not stated): gnomAD exomes 0.00001.
gnomAD v4.1: 9 of 1,583,596 alleles (0.00057%); highest among the groups gnomAD compares: Non-Finnish European, 0.00077%; no homozygotes.

Submission:

Labcorp Genetics (formerly Invitae), Labcorp
Classification: Uncertain significance. Last evaluated: 2021-12-12. Review status: criteria provided, single submitter. Criteria: Invitae Variant Classification Sherloc (09022015). Collection method: clinical testing. Allele origin: germline.
Comment: This sequence change replaces valine, which is neutral and non-polar, with alanine, which is neutral and non-polar, at codon 656 of the COL18A1 protein (p.Val656Ala). This variant is not present in population databases (gnomAD no frequency). This variant has not been reported in the literature in individuals affected with COL18A1-related conditions. Experimental studies and prediction algorithms are not available or were not evaluated, and the functional significance of this variant is currently unknown. In summary, the available evidence is currently insufficient to determine the role of this variant in disease. Therefore, it has been classified as a Variant of Uncertain Significance.

NM_001379500.1(COL18A1):c.1967T>C (p.Val656Ala)

Gene: COL18A1 (collagen type XVIII alpha 1 chain; plus strand). Cytogenetic location: 21q22.3.
Variant type: single nucleotide variant.
Coding change: c.1967T>C on transcript NM_001379500.1 (MANE Select); coding-DNA position 1967, T replaced by C.
Protein change: p.Val656Ala; replaces valine 656 with alanine.
Molecular consequence: missense variant.
Genome position (GRCh38, 1-based): chr21:45,490,282, T>C. VCF-style: chr21-45490282-T-C. GRCh37 (hg19) VCF-style: chr21-46910196-T-C.
Other names: c.2507T>C, p.Val836Ala (NM_030582.4); c.3212T>C, p.Val1071Ala (NM_130444.3); short protein forms V1071A, V656A, V836A.
Identifiers: ClinVar variation 2040282 (VCV002040282.2), dbSNP rs2517676329, ClinGen allele CA410496705.